The following is an entry in ClinVar:

NM_002230.4(JUP):c.197C>T (p.Pro66Leu)

Gene: JUP (junction plakoglobin; minus strand). Cytogenetic location: 17q21.2.
Variant type: single nucleotide variant.
Coding change: c.197C>T on transcript NM_002230.4 (MANE Select); coding-DNA position 197, C replaced by T.
Protein change: p.Pro66Leu; replaces proline 66 with leucine.
Molecular consequence: missense variant.
Genome position (GRCh38, 1-based): chr17:41,771,658, G>A on the plus strand (C>T on the coding strand, the complement: JUP is on the minus strand). VCF-style: chr17-41771658-G-A. GRCh37 (hg19) VCF-style: chr17-39927910-G-A.
Other names: c.197C>T, p.Pro66Leu (NM_001352773.2, NM_001352774.2, NM_001352775.2 and 3 more transcripts); short protein forms P66L.
Identifiers: ClinVar variation 2043524 (VCV002043524.7), dbSNP rs542144750, ClinGen allele CA8565563.

ClinVar aggregate classification (germline): Conflicting classifications of pathogenicity. Review status: criteria provided, conflicting classifications (1 of 4 stars). 2 submissions from 2 submitters: Uncertain significance (1); Likely benign (1). Last evaluated 2026-01-11.

Conditions:
Cardiovascular phenotype. Identifiers: MedGen CN230736.
Arrhythmogenic right ventricular dysplasia 12. Also called: ARRHYTHMOGENIC RIGHT VENTRICULAR DYSPLASIA, FAMILIAL, 12. Identifiers: MedGen C1969081, MONDO:0012684, OMIM 611528.
Naxos disease (NXD). Also called: WOOLLY HAIR, PALMOPLANTAR KERATODERMA, AND CARDIAC ABNORMALITIES; CARDIOMYOPATHY, ARRHYTHMOGENIC RIGHT VENTRICULAR, WITH SKIN, HAIR, AND NAIL ABNORMALITIES; KERATOSIS PALMOPLANTARIS WITH ARRHYTHMOGENIC CARDIOMYOPATHY; MAL DE NAXOS; PALMOPLANTAR KERATODERMA WITH ARRHYTHMOGENIC RIGHT VENTRICULAR CARDIOMYOPATHY AND WOOLLY HAIR. Identifiers: Orphanet 34217, MedGen C1832600, MONDO:0011017, OMIM 601214.

Allele frequency attached by ClinVar (database versions not stated): gnomAD exomes below 0.00001; ExAC 0.00002; TOPMed 0.00002; gnomAD 0.00003; 1000 Genomes Project 30x 0.00016; 1000 Genomes Project 0.00020.
gnomAD v4.1: 11 of 1,613,314 alleles (0.00068%); highest among the groups gnomAD compares: African/African-American, 0.0093%; no homozygotes.

Submissions (2):

Labcorp Genetics (formerly Invitae), Labcorp
Classification: Uncertain significance for Arrhythmogenic right ventricular dysplasia 12; Naxos disease. Last evaluated: 2026-01-11. Review status: criteria provided, single submitter. Criteria: Invitae Variant Classification Sherloc (09022015). Collection method: clinical testing. Allele origin: germline.
Comment: This sequence change replaces proline, which is neutral and non-polar, with leucine, which is neutral and non-polar, at codon 66 of the JUP protein (p.Pro66Leu). This variant is present in population databases (rs542144750, gnomAD 0.02%). This variant has not been reported in the literature in individuals affected with JUP-related conditions. ClinVar contains an entry for this variant (Variation ID: 2043524). An algorithm developed to predict the effect of missense changes on protein structure and function (PolyPhen-2) suggests that this variant is likely to be tolerated. In summary, the available evidence is currently insufficient to determine the role of this variant in disease. Therefore, it has been classified as a Variant of Uncertain Significance.

Ambry Genetics
Classification: Likely benign for Cardiovascular phenotype. Last evaluated: 2024-03-31. Review status: criteria provided, single submitter. Criteria: Ambry Variant Classification Scheme 2023. Collection method: clinical testing. Allele origin: germline.